The following is an entry in ClinVar:

NM_000057.4(BLM):c.2246T>G (p.Ile749Ser)

Gene: BLM (BLM RecQ like helicase; plus strand). Cytogenetic location: 15q26.1.
Variant type: single nucleotide variant.
Coding change: c.2246T>G on transcript NM_000057.4 (MANE Select); coding-DNA position 2246, T replaced by G.
Protein change: p.Ile749Ser; replaces isoleucine 749 with serine.
Molecular consequence: missense variant.
Genome position (GRCh38, 1-based): chr15:90,766,962, T>G. VCF-style: chr15-90766962-T-G. GRCh37 (hg19) VCF-style: chr15-91310192-T-G.
Other names: c.2246T>G, p.Ile749Ser (NM_001287246.2, NM_001287247.2); c.1121T>G, p.Ile374Ser (NM_001287248.2); short protein forms I374S, I749S.
Identifiers: ClinVar variation 3991640 (VCV003991640.1).

ClinVar aggregate classification (germline): Uncertain significance (1 of 4 stars; one submission).

Conditions:
Hereditary cancer-predisposing syndrome. Also called: Tumor predisposition; Hereditary neoplastic syndrome; Neoplastic Syndromes, Hereditary; Hereditary Cancer Syndrome. Identifiers: Orphanet 140162, MedGen C0027672, MeSH D009386, MONDO:0015356.

Submission:

Ambry Genetics
Classification: Uncertain significance for Hereditary cancer-predisposing syndrome. Last evaluated: 2025-04-11. Review status: criteria provided, single submitter. Criteria: Ambry Variant Classification Scheme 2023. Collection method: clinical testing. Allele origin: germline.
Comment: The p.I749S variant (also known as c.2246T>G), located in coding exon 9 of the BLM gene, results from a T to G substitution at nucleotide position 2246. The isoleucine at codon 749 is replaced by serine, an amino acid with dissimilar properties. This amino acid position is conserved. In addition, the in silico prediction for this alteration is inconclusive. Based on the available evidence, the clinical significance of this variant remains unclear.